The following is an entry in ClinVar:

ClinVar aggregate classification (germline): Pathogenic. Review status: criteria provided, multiple submitters, no conflicts (2 of 4 stars). 6 submissions from 6 submitters: Pathogenic (6). Last evaluated 2025-08-29.

Conditions:
Hereditary cancer-predisposing syndrome. Also called: Neoplastic Syndromes, Hereditary; Hereditary Cancer Syndrome; Tumor predisposition; Hereditary neoplastic syndrome. Identifiers: Orphanet 140162, MedGen C0027672, MeSH D009386, MONDO:0015356.
Breast and/or ovarian cancer. Identifiers: MedGen CN221562.
Familial cancer of breast. Also called: Hereditary breast cancer; BREAST CANCER, FAMILIAL; hereditary breast carcinoma. Identifiers: Orphanet 227535, MedGen C0346153, MONDO:0016419, OMIM 114480. Disease mechanism: loss of function.
Ataxia-telangiectasia syndrome (AT). Also called: LOUIS-BAR SYNDROME; Cerebello-oculocutaneous telangiectasia; Immunodeficiency with ataxia telangiectasia; Ataxia-telangiectasia, complementation group D; AT, COMPLEMENTATION GROUP C; Ataxia-telangiectasia, complementation group E. Identifiers: Orphanet 100, MedGen C0004135, MONDO:0008840, OMIM 208900.

gnomAD v4.1: 1 of 1,614,120 alleles (0.000062%); highest among the groups gnomAD compares: Non-Finnish European, 0.000085%; no homozygotes.

Submissions (6):

Labcorp Genetics (formerly Invitae), Labcorp
Classification: Pathogenic for Ataxia-telangiectasia syndrome. Last evaluated: 2025-08-29. Review status: criteria provided, single submitter. Criteria: Invitae Variant Classification Sherloc (09022015). Collection method: clinical testing. Allele origin: germline.
Comment: This sequence change creates a premature translational stop signal (p.Gln2305*) in the ATM gene. It is expected to result in an absent or disrupted protein product. Loss-of-function variants in ATM are known to be pathogenic (PMID: 23807571, 25614872). This variant is not present in population databases (gnomAD no frequency). This premature translational stop signal has been observed in individual(s) with ataxia-telangiectasia (PMID: 12655570). ClinVar contains an entry for this variant (Variation ID: 482710). Algorithms developed to predict the effect of sequence changes on RNA splicing suggest that this variant may disrupt the consensus splice site. For these reasons, this variant has been classified as Pathogenic.

Ambry Genetics
Classification: Pathogenic for Hereditary cancer-predisposing syndrome. Last evaluated: 2025-07-21. Review status: criteria provided, single submitter. Criteria: Ambry Variant Classification Scheme 2023. Collection method: clinical testing. Allele origin: germline.
Comment: The p.Q2305* pathogenic mutation (also known as c.6913C>T), located in coding exon 46 of the ATM gene, results from a C to T substitution at nucleotide position 6913. This changes the amino acid from a glutamine to a stop codon within coding exon 46. This variant is considered to be rare based on population cohorts in the Genome Aggregation Database (gnomAD). This alteration is expected to result in loss of function by premature protein truncation or nonsense-mediated mRNA decay. As such, this alteration is interpreted as a disease-causing mutation.

GeneDx
Classification: Pathogenic. Last evaluated: 2024-09-23. Review status: criteria provided, single submitter. Criteria: GeneDx Variant Classification Process June 2021. Collection method: clinical testing. Allele origin: germline. Affected: yes.
Comment: Nonsense variant predicted to result in protein truncation or nonsense mediated decay in a gene for which loss of function is a known mechanism of disease; Not observed at significant frequency in large population cohorts (gnomAD); Truncating variants in this gene are considered pathogenic by a well-established clinical consortium and/or database; This variant is associated with the following publications: (PMID: 22927201, 25525159, 12655570, 17124347, 17910737)

Myriad Genetics, Inc.
Classification: Pathogenic for Familial cancer of breast. Last evaluated: 2024-01-30. Review status: criteria provided, single submitter. Criteria: Myriad Autosomal Dominant, Autosomal Recessive and X-Linked Classification Criteria (2023). Collection method: clinical testing. Allele origin: unknown.
Comment: This variant is considered pathogenic. This variant creates a termination codon and is predicted to result in premature protein truncation.

Women's Health and Genetics/Laboratory Corporation of America, LabCorp
Classification: Pathogenic for Ataxia-telangiectasia syndrome. Last evaluated: 2023-05-11. Review status: criteria provided, single submitter. Criteria: LabCorp Variant Classification Summary - May 2015. Collection method: clinical testing. Allele origin: germline.
Comment: Variant summary: ATM c.6913C>T (p.Gln2305X) results in a premature termination codon, predicted to cause a truncation of the encoded protein or absence of the protein due to nonsense mediated decay, which are commonly known mechanisms for disease. The variant was absent in 251316 control chromosomes (gnomAD). c.6913C>T has been reported in the literature in compound heterozygous individuals affected with Ataxia-Telangiectasia (e.g. Saviozzi_2003, Cavalieri_2008). These data indicate that the variant may be associated with disease. To our knowledge, no experimental evidence demonstrating an impact on protein function has been reported. The following publications have been ascertained in the context of this evaluation (PMID: 17910737, 17124347, 12655570). Three ClinVar submitters have assessed the variant since 2014: all have classified the variant as pathogenic. Based on the evidence outlined above, the variant was classified as pathogenic.

CHEO Genetics Diagnostic Laboratory, Children's Hospital of Eastern Ontario
Classification: Pathogenic for Breast and/or ovarian cancer. Last evaluated: 2020-09-23. Review status: criteria provided, single submitter. Criteria: ACMG Guidelines, 2015. Collection method: clinical testing. Allele origin: germline.

Literature cited by the submitters: PubMed 23807571 (cited by Labcorp Genetics (formerly Invitae), Labcorp); PubMed 25614872 (cited by Labcorp Genetics (formerly Invitae), Labcorp); PubMed 12655570 (cited by 3 submitters); PubMed 17124347 (cited by Ambry Genetics and Women's Health and Genetics/Laboratory Corporation of America, LabCorp); PubMed 17910737 (cited by Women's Health and Genetics/Laboratory Corporation of America, LabCorp).

NM_000051.4(ATM):c.6913C>T (p.Gln2305Ter)

Genes: ATM (ATM serine/threonine kinase; plus strand), C11orf65 (chromosome 11 open reading frame 65; minus strand). Cytogenetic location: 11q22.3.
Variant type: single nucleotide variant.
Coding change: c.6913C>T on transcript NM_000051.4 (MANE Select); coding-DNA position 6913, C replaced by T.
Protein change: p.Gln2305Ter; replaces glutamine 2305 with a stop codon.
Molecular consequence: nonsense. On other transcripts: intron variant (2).
Genome position (GRCh38, 1-based): chr11:108,326,163, C>T. VCF-style: chr11-108326163-C-T. GRCh37 (hg19) VCF-style: chr11-108196890-C-T.
Other names: c.6913C>T, p.Gln2305Ter (NM_001351834.2); c.641-17092G>A (NM_001330368.2); c.*38+9057G>A (NM_001351110.2); short protein forms Q2305*.
Identifiers: ClinVar variation 482710 (VCV000482710.20), dbSNP rs1282099124, ClinGen allele CA382557041.